The following is an entry in ClinVar:

NM_001007527.2(LMBRD2):c.577T>C (p.Trp193Arg)

Gene: LMBRD2 (LMBR1 domain containing 2; minus strand). Cytogenetic location: 5p13.2.
Variant type: single nucleotide variant.
Coding change: c.577T>C on transcript NM_001007527.2 (MANE Select); coding-DNA position 577, T replaced by C.
Protein change: p.Trp193Arg; replaces tryptophan 193 with arginine.
Molecular consequence: missense variant.
Genome position (GRCh38, 1-based): chr5:36,136,479, A>G on the plus strand (T>C on the coding strand, the complement: LMBRD2 is on the minus strand). VCF-style: chr5-36136479-A-G. GRCh37 (hg19) VCF-style: chr5-36136581-A-G.
Other names: short protein forms W193R.
Identifiers: ClinVar variation 1299451 (VCV001299451.5), dbSNP rs2111900126, ClinGen allele CA359452300.

ClinVar aggregate classification (germline): Conflicting classifications of pathogenicity. Review status: criteria provided, conflicting classifications (1 of 4 stars). 2 submissions from 2 submitters: Likely pathogenic (1); Uncertain significance (1). Last evaluated 2026-10-22.

Conditions:
Developmental delay with variable neurologic and brain abnormalities (MLHNS). Also called: MALHOTRA NEURODEVELOPMENTAL SYNDROME. Identifiers: MedGen C5562060, MONDO:0859218, OMIM 619694.

Submissions (2):

Genetics Department, University Hospital of Toulouse
Classification: Likely pathogenic for Developmental delay with variable neurologic and brain abnormalities. Last evaluated: 2026-10-22. Review status: criteria provided, single submitter. Criteria: ACMG Guidelines, 2015. Collection method: clinical testing. Allele origin: unknown. Inheritance: Autosomal dominant inheritance. Affected: yes.
Comment: The LMBRD2 c.577T>C p.(Trp193Arg) missense variant has been identified in individuals with a phenotype consistent with developmental delay with variable neurologic and brain abnormalities (DENBA) in a de novo state (PMID: 32820033; internal data). This variant is not observed in version 4.1.2 of the Genome Aggregation Database. Multiple lines of computational evidence suggest the variant may impact the gene or gene product. Based on the available evidence, the c.577T>C p.(Trp193Arg) variant has been classified as likely pathogenic for developmental delay with variable neurologic and brain abnormalities.

Illumina Laboratory Services, Illumina
Classification: Uncertain significance. Last evaluated: 2021-09-23. Review status: criteria provided, single submitter. Criteria: ICSLVariantClassificationCriteria RUGD 01 April 2020. Collection method: clinical testing. Allele origin: unknown.
Comment: The LMBRD2 c.577T>C (p.Trp193Arg) variant is a missense variant. This variant has been reported in one study in the literature (Malhotra et al. 2020). This variant is not found in version 2.1.1 or version 3.1.1 of the Genome Aggregation Database, despite its location in a region of good sequence coverage, which suggests the variant is rare. Based on the available evidence, the p.Trp193Arg variant is classified as a variant of uncertain significance.

Literature cited by the submitters: PubMed 32820033 (cited by Genetics Department, University Hospital of Toulouse and Illumina Laboratory Services, Illumina).